The following is an entry in ClinVar:

NM_144997.7(FLCN):c.1737C>G (p.Asn579Lys)

Gene: FLCN (folliculin; minus strand). Cytogenetic location: 17p11.2.
Variant type: single nucleotide variant.
Coding change: c.1737C>G on transcript NM_144997.7 (MANE Select); coding-DNA position 1737, C replaced by G.
Protein change: p.Asn579Lys; replaces asparagine 579 with lysine.
Molecular consequence: missense variant.
Genome position (GRCh38, 1-based): chr17:17,213,658, G>C on the plus strand (C>G on the coding strand, the complement: FLCN is on the minus strand). VCF-style: chr17-17213658-G-C. GRCh37 (hg19) VCF-style: chr17-17116972-G-C.
Other names: c.1791C>G, p.Asn597Lys (NM_001353229.2); c.1737C>G, p.Asn579Lys (NM_001353230.2, NM_001353231.2); c.1737C>G (NM_144997.5); short protein forms N579K, N597K.
Identifiers: ClinVar variation 1010800 (VCV001010800.6), dbSNP rs767345167, ClinGen allele CA398529753.

ClinVar aggregate classification (germline): Uncertain significance. Review status: criteria provided, multiple submitters, no conflicts (2 of 4 stars). 2 submissions from 2 submitters: Uncertain significance (2). Last evaluated 2025-09-03.

Conditions:
Birt-Hogg-Dube syndrome. Also called: Birt Hogg Dubé syndrome. Identifiers: Orphanet 122, MedGen C0346010, MONDO:0800444.
Hereditary cancer-predisposing syndrome. Also called: Tumor predisposition; Hereditary Cancer Syndrome; Neoplastic Syndromes, Hereditary; Hereditary neoplastic syndrome. Identifiers: Orphanet 140162, MedGen C0027672, MeSH D009386, MONDO:0015356.

gnomAD v4.1: 1 of 1,614,176 alleles (0.000062%); highest among the groups gnomAD compares: Non-Finnish European, 0.000085%; no homozygotes.

Submissions (2):

Ambry Genetics
Classification: Uncertain significance for Hereditary cancer-predisposing syndrome. Last evaluated: 2025-09-03. Review status: criteria provided, single submitter. Criteria: Ambry Variant Classification Scheme 2023. Collection method: clinical testing. Allele origin: germline.
Comment: The p.N579K variant (also known as c.1737C>G), located in coding exon 11 of the FLCN gene, results from a C to G substitution at nucleotide position 1737. The asparagine at codon 579 is replaced by lysine, an amino acid with similar properties. This amino acid position is not well conserved in available vertebrate species. In addition, this alteration is predicted to be tolerated by in silico analysis. Based on the available evidence, the clinical significance of this variant remains unclear.

Labcorp Genetics (formerly Invitae), Labcorp
Classification: Uncertain significance for Birt-Hogg-Dube syndrome. Last evaluated: 2025-03-31. Review status: criteria provided, single submitter. Criteria: Invitae Variant Classification Sherloc (09022015). Collection method: clinical testing. Allele origin: germline.
Comment: This sequence change replaces asparagine, which is neutral and polar, with lysine, which is basic and polar, at codon 579 of the FLCN protein (p.Asn579Lys). This variant is not present in population databases (gnomAD no frequency). This variant has not been reported in the literature in individuals affected with FLCN-related conditions. ClinVar contains an entry for this variant (Variation ID: 1010800). An algorithm developed to predict the effect of missense changes on protein structure and function (PolyPhen-2) suggests that this variant is likely to be tolerated. In summary, the available evidence is currently insufficient to determine the role of this variant in disease. Therefore, it has been classified as a Variant of Uncertain Significance.